The following is an entry in ClinVar:

ClinVar aggregate classification (germline): Uncertain significance (1 of 4 stars; one submission).

Submission:

Labcorp Genetics (formerly Invitae), Labcorp
Classification: Uncertain significance. Last evaluated: 2024-01-11. Review status: criteria provided, single submitter. Criteria: Invitae Variant Classification Sherloc (09022015). Collection method: clinical testing. Allele origin: germline.
Comment: This sequence change replaces phenylalanine, which is neutral and non-polar, with leucine, which is neutral and non-polar, at codon 736 of the DUOX2 protein (p.Phe736Leu). This variant is not present in population databases (gnomAD no frequency). This variant has not been reported in the literature in individuals affected with DUOX2-related conditions. Advanced modeling of protein sequence and biophysical properties (such as structural, functional, and spatial information, amino acid conservation, physicochemical variation, residue mobility, and thermodynamic stability) performed at Invitae indicates that this missense variant is not expected to disrupt DUOX2 protein function with a negative predictive value of 80%. In summary, the available evidence is currently insufficient to determine the role of this variant in disease. Therefore, it has been classified as a Variant of Uncertain Significance.

NM_001363711.2(DUOX2):c.2208C>G (p.Phe736Leu)

Gene: DUOX2 (dual oxidase 2; minus strand). Cytogenetic location: 15q21.1.
Variant type: single nucleotide variant.
Coding change: c.2208C>G on transcript NM_001363711.2 (MANE Select); coding-DNA position 2208, C replaced by G.
Protein change: p.Phe736Leu; replaces phenylalanine 736 with leucine.
Molecular consequence: missense variant.
Genome position (GRCh38, 1-based): chr15:45,105,769, G>C on the plus strand (C>G on the coding strand, the complement: DUOX2 is on the minus strand). VCF-style: chr15-45105769-G-C. GRCh37 (hg19) VCF-style: chr15-45397967-G-C.
Other names: c.2208C>G, p.Phe736Leu (NM_014080.5); short protein forms F736L.
Identifiers: ClinVar variation 2709043 (VCV002709043.3), dbSNP rs2504764845, ClinGen allele CA392270922.